The following is an entry in ClinVar:

NM_001042492.3(NF1):c.7708A>G (p.Arg2570Gly)

Gene: NF1 (neurofibromin 1; plus strand). Cytogenetic location: 17q11.2.
Variant type: single nucleotide variant.
Coding change: c.7708A>G on transcript NM_001042492.3 (MANE Select); coding-DNA position 7708, A replaced by G.
Protein change: p.Arg2570Gly; replaces arginine 2570 with glycine.
Molecular consequence: missense variant.
Genome position (GRCh38, 1-based): chr17:31,356,552, A>G. VCF-style: chr17-31356552-A-G. GRCh37 (hg19) VCF-style: chr17-29683570-A-G.
Other names: c.7645A>G, p.Arg2549Gly (NM_000267.4); short protein forms R2549G, R2570G.
Identifiers: ClinVar variation 185325 (VCV000185325.3), dbSNP rs786202086, ClinGen allele CA191645.

ClinVar aggregate classification (germline): Uncertain significance (1 of 4 stars; one submission).

Conditions:
Hereditary cancer-predisposing syndrome. Also called: Hereditary neoplastic syndrome; Neoplastic Syndromes, Hereditary; Tumor predisposition; Hereditary Cancer Syndrome. Identifiers: Orphanet 140162, MedGen C0027672, MeSH D009386, MONDO:0015356.

Submission:

Ambry Genetics
Classification: Uncertain significance for Hereditary cancer-predisposing syndrome. Last evaluated: 2015-11-18. Review status: criteria provided, single submitter. Criteria: Ambry Autosomal Dominant and X-Linked criteria (10/2015). Collection method: clinical testing. Allele origin: germline. Observed: 1 variant allele.
Comment: Ã¢â‚¬â€¹<span style="background-color:initial">Thep.R2570G<span style="background-color:initial"> variant (also known as c.7708A>G), located in coding exon 52 of theNF1<span style="background-color:initial"> gene, results from an A to G substitution at nucleotide position 7708. The arginine at codon 2570 is replaced by glycine, an amino acid with dissimilar properties. This variant was not reported in population based cohorts in the following databases: Database of Single Nucleotide Polymorphisms (dbSNP), NHLBI Exome Sequencing Project (ESP), and 1000 Genomes Project. To date, this alteration has been detected with an allele frequency of approximately 0.002% (greater than 110000 alleles tested) in our clinical cohort. This amino acid position is highly conserved in available vertebrate species. In addition, this alteration is predicted to be benign and tolerated by PolyPhen and SIFTin silico<span style="background-color:initial"> analyses, respectively. Since supporting evidence is limited at this time, the clinical significance of p.R2570G remains unclear.